The following is an entry in ClinVar:

ClinVar aggregate classification (germline): Uncertain significance. Review status: criteria provided, multiple submitters, no conflicts (2 of 4 stars). 2 submissions from 2 submitters: Uncertain significance (2). Last evaluated 2025-07-14.

Conditions:
Intestinal pseudoobstruction, neuronal, chronic idiopathic, X-linked (CIIPX). Also called: CONGENITAL IDIOPATHIC INTESTINAL PSEUDOOBSTRUCTION; INTESTINAL PSEUDOOBSTRUCTION, NEURONAL, CHRONIC IDIOPATHIC, WITH CENTRAL NERVOUS SYSTEM INVOLVEMENT; FLNA-Related Periventricular Nodular Heterotopia (FLNA-Related PVNH; Huttenlocher Syndrome). Identifiers: Orphanet 2301, MedGen C2746068, MONDO:0010232, OMIM 300048.
Cardiac valvular dysplasia, X-linked (CVDPX). Also called: MYXOMATOUS VALVULAR DYSTROPHY, X-LINKED; FLNA-Related X-linked Cardiac Valvular Dysplasia; VALVULAR HEART DISEASE, CONGENITAL; Congenital valvular dysplasia; Isolated X-Linked Cardiac Valvular Dysplasia. Identifiers: Orphanet 1864, Orphanet 555877, Orphanet 75497, MedGen C0262436, MONDO:0010753, OMIM 314400.
Oto-palato-digital syndrome, type I (OPD1). Also called: Otopalatodigital Syndrome Type 1 (FLNA-OPD1); OPD I SYNDROME; OPD SYNDROME 1; Taybi syndrome; Otopalatodigital Syndrome, Type I. Identifiers: Orphanet 669, Orphanet 90650, MedGen C0265251, MONDO:0010704, OMIM 311300.
FG syndrome 2 (FGS2). Identifiers: MedGen C1845902, MONDO:0010297, OMIM 300321.
Oto-palato-digital syndrome, type II (OPD2). Also called: FACIOPALATOOSSEOUS SYNDROME; Otopalatodigital Syndrome Type 2 (FLNA-OPD2); OPD II SYNDROME; Otopalatodigital Syndrome, Type II. Identifiers: Orphanet 669, Orphanet 90652, MedGen C1844696, MONDO:0010571, OMIM 304120.
Terminal osseous dysplasia-pigmentary defects syndrome. Also called: ODPD; TERMINAL OSSEOUS DYSPLASIA AND PIGMENTARY DEFECTS; Terminal Osseous Dysplasia (FLNA-TOD); ODPF SYNDROME; OSSEOUS DYSPLASIA, DIGITAL, WITH FACIAL PIGMENTARY DEFECTS AND MULTIPLE FRENULA. Identifiers: Orphanet 88630, MedGen C1846129, MONDO:0010279, OMIM 300244.
Frontometaphyseal dysplasia 1 (FMD1). Also called: Frontometaphyseal Dysplasia (FLNA-FMD). Identifiers: Orphanet 1826, MedGen C4281559, MONDO:0024550, OMIM 305620.
Heterotopia, periventricular, X-linked dominant (PVNH1). Also called: PERIVENTRICULAR NODULAR HETEROTOPIA 4; PERIVENTRICULAR NODULAR HETEROTOPIA 1; X-linked periventricular heterotopia; HETEROTOPIA, PERIVENTRICULAR, 1. Identifiers: Orphanet 2149, Orphanet 82004, MedGen C1848213, MONDO:0010233, OMIM 300049.
Melnick-Needles syndrome (MNS). Also called: MELNICK-NEEDLES OSTEODYSPLASTY; Melnick-Needles Syndrome (FLNA-MNS); OSTEODYSPLASTY OF MELNICK AND NEEDLES. Identifiers: Orphanet 2484, MedGen C0025237, MONDO:0010650, OMIM 309350.
Frontometaphyseal dysplasia (FMD1). Identifiers: Orphanet 1826, MedGen C0265293, MONDO:0015942.

gnomAD v4.1: 2 of 1,210,421 alleles (0.00017%); highest among the groups gnomAD compares: Non-Finnish European, 0.00022%; no homozygotes.

Submissions (2):

Labcorp Genetics (formerly Invitae), Labcorp
Classification: Uncertain significance for Oto-palato-digital syndrome, type II; Heterotopia, periventricular, X-linked dominant; Frontometaphyseal dysplasia; Melnick-Needles syndrome. Last evaluated: 2025-07-14. Review status: criteria provided, single submitter. Criteria: Invitae Variant Classification Sherloc (09022015). Collection method: clinical testing. Allele origin: germline.
Comment: This sequence change replaces tyrosine, which is neutral and polar, with cysteine, which is neutral and slightly polar, at codon 1041 of the FLNA protein (p.Tyr1041Cys). This variant is not present in population databases (gnomAD no frequency). This variant has not been reported in the literature in individuals affected with FLNA-related conditions. ClinVar contains an entry for this variant (Variation ID: 3598190). Invitae Evidence Modeling of protein sequence and biophysical properties (such as structural, functional, and spatial information, amino acid conservation, physicochemical variation, residue mobility, and thermodynamic stability) has been performed for this missense variant. However, the output from this modeling did not meet the statistical confidence thresholds required to predict the impact of this variant on FLNA protein function. In summary, the available evidence is currently insufficient to determine the role of this variant in disease. Therefore, it has been classified as a Variant of Uncertain Significance.

Fulgent Genetics
Classification: Uncertain significance for Intestinal pseudoobstruction, neuronal, chronic idiopathic, X-linked; Heterotopia, periventricular, X-linked dominant; Terminal osseous dysplasia-pigmentary defects syndrome; FG syndrome 2; Oto-palato-digital syndrome, type II; Frontometaphyseal dysplasia 1; Melnick-Needles syndrome; Oto-palato-digital syndrome, type I; Cardiac valvular dysplasia, X-linked. Last evaluated: 2024-06-18. Review status: criteria provided, single submitter. Criteria: ACMG Guidelines, 2015. Collection method: clinical testing. Allele origin: germline.

NM_001110556.2(FLNA):c.3122A>G (p.Tyr1041Cys)

Gene: FLNA (filamin A; minus strand). Cytogenetic location: Xq28.
Variant type: single nucleotide variant.
Coding change: c.3122A>G on transcript NM_001110556.2 (MANE Select); coding-DNA position 3122, A replaced by G.
Protein change: p.Tyr1041Cys; replaces tyrosine 1041 with cysteine.
Molecular consequence: missense variant.
Genome position (GRCh38, 1-based): chrX:154,361,393, T>C on the plus strand (A>G on the coding strand, the complement: FLNA is on the minus strand). VCF-style: chrX-154361393-T-C. GRCh37 (hg19) VCF-style: chrX-153589761-T-C.
Other names: c.3122A>G (NM_001456.3); c.3122A>G, p.Tyr1041Cys (NM_001456.4); short protein forms Y1041C.
Identifiers: ClinVar variation 3598190 (VCV003598190.2).